The following is an entry in ClinVar:

ClinVar aggregate classification (germline): Pathogenic (1 of 4 stars; one submission).

Conditions:
Familial adenomatous polyposis 2. Also called: COLORECTAL ADENOMATOUS POLYPOSIS, AUTOSOMAL RECESSIVE; ADENOMAS, MULTIPLE COLORECTAL, AUTOSOMAL RECESSIVE; MUTYH-associated polyposis; MUTYH Polyposis; Adenomas, multiple colorectal; MUTYH-related attenuated familial adenomatous polyposis. Identifiers: Orphanet 220460, Orphanet 247798, MedGen C3272841, MONDO:0012041, OMIM 608456.

Submission:

Labcorp Genetics (formerly Invitae), Labcorp
Classification: Pathogenic for Familial adenomatous polyposis 2. Last evaluated: 2021-12-04. Review status: criteria provided, single submitter. Criteria: Invitae Variant Classification Sherloc (09022015). Collection method: clinical testing. Allele origin: germline.
Comment: For these reasons, this variant has been classified as Pathogenic. This variant has not been reported in the literature in individuals affected with MUTYH-related conditions. This variant is not present in population databases (gnomAD no frequency). This sequence change creates a premature translational stop signal (p.Val258Phefs*8) in the MUTYH gene. It is expected to result in an absent or disrupted protein product. Loss-of-function variants in MUTYH are known to be pathogenic (PMID: 18534194, 20663686).

Literature cited by the submitters: PubMed 18534194; PubMed 20663686.

NM_001048174.2(MUTYH):c.685del (p.Val230fs)

Gene: MUTYH (mutY DNA glycosylase; minus strand). Cytogenetic location: 1p34.1.
Variant type: Deletion.
Coding change: c.685del on transcript NM_001048174.2 (MANE Select); coding-DNA position 685, one base deleted (C; older notation c.685delC).
Protein change: p.Val230fs; shifts the reading frame from valine 230.
Molecular consequence: frameshift variant. On other transcripts: non-coding transcript variant (2).
Genome position (GRCh38, 1-based): chr1:45,332,410, G deleted on the plus strand (C on the coding strand, the reverse complement: MUTYH is on the minus strand); the first of 3 consecutive G bases (chr1:45,332,410-45,332,412); deleting any one gives the same sequence. VCF-style (leftmost placement, unchanged base first): chr1-45332409-AG-A. GRCh37 (hg19) VCF-style: chr1-45798081-AG-A.
Other names: c.685del, p.Val230fs (NM_001048171.2, NM_001048173.2, NM_001293195.2); c.688del, p.Val231fs (NM_001048172.2); c.769del, p.Val258fs (NM_001128425.2); c.730del, p.Val245fs (NM_001293190.2); c.718del, p.Val241fs (NM_001293191.2); c.409del, p.Val138fs (NM_001293192.2, NM_001293196.2); c.340del, p.Val115fs (NM_001350650.2, NM_001350651.2); c.760del, p.Val255fs (NM_012222.3); short protein forms V230fs, V245fs, V255fs, V258fs, V138fs, V231fs, V241fs, V115fs.
Identifiers: ClinVar variation 1441468 (VCV001441468.6), dbSNP rs2149143211, ClinGen allele CA2573132073.